The following is an entry in ClinVar:

NM_198253.3(TERT):c.1909G>A (p.Asp637Asn)

Gene: TERT (telomerase reverse transcriptase; minus strand). Cytogenetic location: 5p15.33.
Variant type: single nucleotide variant.
Coding change: c.1909G>A on transcript NM_198253.3 (MANE Select); coding-DNA position 1909, G replaced by A.
Protein change: p.Asp637Asn; replaces aspartic acid 637 with asparagine.
Molecular consequence: missense variant. On other transcripts: non-coding transcript variant (2).
Genome position (GRCh38, 1-based): chr5:1,280,199, C>T on the plus strand (G>A on the coding strand, the complement: TERT is on the minus strand). VCF-style: chr5-1280199-C-T. GRCh37 (hg19) VCF-style: chr5-1280314-C-T.
Other names: c.1909G>A, p.Asp637Asn (NM_001193376.3); short protein forms D637N.
Identifiers: ClinVar variation 574522 (VCV000574522.10), dbSNP rs1561203868, ClinGen allele CA359081306.
Genomic context (GRCh38, chr5:1,280,199, plus strand): 5'-TAAACCAAAGCACAGCCACCCTCTTTTCTCTGCGGAACGTTCTGGCTCCCACGACGTAGT[C>T]CATGTTCACAATCGGCCGCAGCCCGTCAGGCTTGGGGATGAAGCGGAGTCTGGACGTCAG-3'
Protein context (NP_937983.2, residues 627-647): PDGLRPIVNM[Asp637Asn]YVVGARTFRR

ClinVar aggregate classification (germline): Uncertain significance. Review status: criteria provided, multiple submitters, no conflicts (2 of 4 stars). 3 submissions from 3 submitters: Uncertain significance (3). Last evaluated 2025-08-13.

Conditions:
Dyskeratosis congenita. Identifiers: Orphanet 1775, MedGen C0265965, MONDO:0015780.
Idiopathic Pulmonary Fibrosis. Also called: Idiopathic fibrosing alveolitis, chronic form; idiopathic fibrosing alveolitis. Identifiers: Orphanet 2032, MedGen C1800706, MeSH D054990, MONDO:0800504.
Dyskeratosis congenita, autosomal dominant 2. Identifiers: MedGen C3151443, MONDO:0013521, OMIM 613989.

Allele frequency attached by ClinVar (database versions not stated): gnomAD exomes below 0.00001.
gnomAD v4.1: 1 of 1,614,106 alleles (0.000062%); highest among the groups gnomAD compares: Non-Finnish European, 0.000085%; no homozygotes.

Submissions (3):

GeneDx
Classification: Uncertain significance. Last evaluated: 2025-08-13. Review status: criteria provided, single submitter. Criteria: GeneDx Variant Classification Process June 2021. Collection method: clinical testing. Allele origin: germline. Affected: yes.
Comment: Not observed at significant frequency in large population cohorts (gnomAD); In silico analysis suggests that this missense variant does not alter protein structure/function; Has not been previously published as pathogenic or benign to our knowledge

Ambry Genetics
Classification: Uncertain significance for Dyskeratosis congenita. Last evaluated: 2025-07-06. Review status: criteria provided, single submitter. Criteria: Ambry Variant Classification Scheme 2023. Collection method: clinical testing. Allele origin: germline.
Comment: The p.D637N variant (also known as c.1909G>A), located in coding exon 4 of the TERT gene, results from a G to A substitution at nucleotide position 1909. The aspartic acid at codon 637 is replaced by asparagine, an amino acid with highly similar properties. This amino acid position is conserved. In addition, this alteration is predicted to be tolerated by in silico analysis. Based on the available evidence, the clinical significance of this variant remains unclear.

Labcorp Genetics (formerly Invitae), Labcorp
Classification: Uncertain significance for Dyskeratosis congenita, autosomal dominant 2; Idiopathic Pulmonary Fibrosis. Last evaluated: 2018-05-30. Review status: criteria provided, single submitter. Criteria: Invitae Variant Classification Sherloc (09022015). Collection method: clinical testing. Allele origin: germline.
Comment: In summary, the available evidence is currently insufficient to determine the role of this variant in disease. Therefore, it has been classified as a Variant of Uncertain Significance. Algorithms developed to predict the effect of missense changes on protein structure and function (SIFT, PolyPhen-2, Align-GVGD) all suggest that this variant is likely to be tolerated, but these predictions have not been confirmed by published functional studies and their clinical significance is uncertain. This variant has not been reported in the literature in individuals with TERT-related disease. This variant is not present in population databases (ExAC no frequency). This sequence change replaces aspartic acid with asparagine at codon 637 of the TERT protein (p.Asp637Asn). The aspartic acid residue is weakly conserved and there is a small physicochemical difference between aspartic acid and asparagine.